The following is an entry in ClinVar:

ClinVar aggregate classification (germline): Uncertain significance (1 of 4 stars; one submission).

gnomAD v4.1: 20 of 1,608,814 alleles (0.0012%); highest among the groups gnomAD compares: African/African-American, 0.0053%; no homozygotes.

Submission:

Labcorp Genetics (formerly Invitae), Labcorp
Classification: Uncertain significance. Last evaluated: 2022-06-24. Review status: criteria provided, single submitter. Criteria: Invitae Variant Classification Sherloc (09022015). Collection method: clinical testing. Allele origin: germline.
Comment: In summary, the available evidence is currently insufficient to determine the role of this variant in disease. Therefore, it has been classified as a Variant of Uncertain Significance. Experimental studies and prediction algorithms are not available or were not evaluated, and the functional significance of this variant is currently unknown. This variant has not been reported in the literature in individuals affected with SLC46A1-related conditions. This variant is present in population databases (no rsID available, gnomAD 0.01%). This sequence change replaces glycine, which is neutral and non-polar, with arginine, which is basic and polar, at codon 65 of the SLC46A1 protein (p.Gly65Arg).

NM_080669.6(SLC46A1):c.193G>C (p.Gly65Arg)

Gene: SLC46A1 (solute carrier family 46 member 1; minus strand). Cytogenetic location: 17q11.2.
Variant type: single nucleotide variant.
Coding change: c.193G>C on transcript NM_080669.6 (MANE Select); coding-DNA position 193, G replaced by C.
Protein change: p.Gly65Arg; replaces glycine 65 with arginine.
Molecular consequence: missense variant.
Genome position (GRCh38, 1-based): chr17:28,405,922, C>G on the plus strand (G>C on the coding strand, the complement: SLC46A1 is on the minus strand). VCF-style: chr17-28405922-C-G. GRCh37 (hg19) VCF-style: chr17-26732940-C-G.
Other names: c.193G>C, p.Gly65Arg (NM_001242366.3); short protein forms G65R.
Identifiers: ClinVar variation 1990008 (VCV001990008.2), dbSNP rs375000218, ClinGen allele CA398353812.